The following is an entry in ClinVar:

ClinVar aggregate classification (germline): Likely pathogenic (1 of 4 stars; one submission).

Submission:

Labcorp Genetics (formerly Invitae), Labcorp
Classification: Likely pathogenic. Last evaluated: 2024-05-14. Review status: criteria provided, single submitter. Criteria: Invitae Variant Classification Sherloc (09022015). Collection method: clinical testing. Allele origin: germline.
Comment: This sequence change affects a donor splice site in intron 5 of the UNC80 gene. It is expected to disrupt RNA splicing. Variants that disrupt the donor or acceptor splice site typically lead to a loss of protein function (PMID: 16199547), and loss-of-function variants in UNC80 are known to be pathogenic (PMID: 26545877, 26708751, 26708753). This variant is not present in population databases (gnomAD no frequency). This variant has not been reported in the literature in individuals affected with UNC80-related conditions. Algorithms developed to predict the effect of sequence changes on RNA splicing suggest that this variant may disrupt the consensus splice site. In summary, the currently available evidence indicates that the variant is pathogenic, but additional data are needed to prove that conclusively. Therefore, this variant has been classified as Likely Pathogenic.

Literature cited by the submitters: PubMed 16199547; PubMed 26545877; PubMed 26708751; PubMed 26708753.

NM_001371986.1(UNC80):c.724+1G>T

Gene: UNC80 (unc-80 subunit of NALCN channel complex; plus strand). Cytogenetic location: 2q34.
Variant type: single nucleotide variant.
Coding change: c.724+1G>T on transcript NM_001371986.1 (MANE Select); the canonical splice donor site of the intron after coding-DNA position 724, G replaced by T.
Molecular consequence: splice donor variant.
Genome position (GRCh38, 1-based): chr2:209,786,190, G>T. VCF-style: chr2-209786190-G-T. GRCh37 (hg19) VCF-style: chr2-210650914-G-T.
Other names: c.724+1G>T (NM_032504.2, NM_182587.4).
Identifiers: ClinVar variation 3653301 (VCV003653301.2).